The following is an entry in ClinVar:

ClinVar aggregate classification (germline): Uncertain significance (1 of 4 stars; one submission).

Allele frequency attached by ClinVar (database versions not stated): gnomAD 0.00001.
gnomAD v4.1: 2 of 1,613,982 alleles (0.00012%); highest among the groups gnomAD compares: Non-Finnish European, 0.00017%; no homozygotes.

Submission:

CeGaT Center for Human Genetics Tuebingen
Classification: Uncertain significance. Last evaluated: 2022-08-01. Review status: criteria provided, single submitter. Criteria: CeGaT Center For Human Genetics Tuebingen Variant Classification Criteria Version 2. Collection method: clinical testing. Allele origin: germline. Affected: yes. Observed: 1 variant allele.
Comment: CDON: PM2:Supporting

NM_001378964.1(CDON):c.1757C>A (p.Pro586Gln)

Gene: CDON (cell adhesion associated, oncogene regulated; minus strand). Cytogenetic location: 11q24.2.
Variant type: single nucleotide variant.
Coding change: c.1757C>A on transcript NM_001378964.1 (MANE Select); coding-DNA position 1757, C replaced by A.
Protein change: p.Pro586Gln; replaces proline 586 with glutamine.
Molecular consequence: missense variant.
Genome position (GRCh38, 1-based): chr11:126,005,853, G>T on the plus strand (C>A on the coding strand, the complement: CDON is on the minus strand). VCF-style: chr11-126005853-G-T. GRCh37 (hg19) VCF-style: chr11-125875748-G-T.
Other names: c.1757C>A, p.Pro586Gln (NM_001243597.3, NM_016952.6); short protein forms P586Q.
Identifiers: ClinVar variation 2642519 (VCV002642519.24), dbSNP rs770489168, ClinGen allele CA383208601.